The following is an entry in ClinVar:

ClinVar aggregate classification (germline): Uncertain significance. Review status: criteria provided, multiple submitters, no conflicts (2 of 4 stars). 2 submissions from 2 submitters: Uncertain significance (2). Last evaluated 2021-03-08.

Conditions:
Familial thoracic aortic aneurysm and aortic dissection (TAAD). Also called: Thoracic aortic aneurysms and dissections. Identifiers: Orphanet 91387, MedGen C4707243, MONDO:0019625.
Marfan syndrome (MFS). Also called: Marfan syndrome, classic; Marfan syndrome type 1; Marfan's syndrome; FBN1-Related Marfan Syndrome; MARFAN SYNDROME, TYPE I. Identifiers: Orphanet 284963, Orphanet 558, MedGen C0024796, MONDO:0007947, OMIM 154700.

Submissions (2):

Labcorp Genetics (formerly Invitae), Labcorp
Classification: Uncertain significance for Marfan syndrome; Familial thoracic aortic aneurysm and aortic dissection. Last evaluated: 2021-03-08. Review status: criteria provided, single submitter. Criteria: Invitae Variant Classification Sherloc (09022015). Collection method: clinical testing. Allele origin: germline.
Comment: This sequence change replaces phenylalanine with valine at codon 2196 of the FBN1 protein (p.Phe2196Val). The phenylalanine residue is highly conserved and there is a small physicochemical difference between phenylalanine and valine. This variant is not present in population databases (ExAC no frequency). This variant has been observed in individual(s) with clinical features of FBN1-related conditions (Invitae). ClinVar contains an entry for this variant (Variation ID: 915610). Advanced modeling of protein sequence and biophysical properties (such as structural, functional, and spatial information, amino acid conservation, physicochemical variation, residue mobility, and thermodynamic stability) performed at Invitae indicates that this missense variant is expected to disrupt FBN1 protein function. In summary, the available evidence is currently insufficient to determine the role of this variant in disease. Therefore, it has been classified as a Variant of Uncertain Significance.

CHEO Genetics Diagnostic Laboratory, Children's Hospital of Eastern Ontario
Classification: Uncertain significance for Familial thoracic aortic aneurysm and aortic dissection. Last evaluated: 2019-01-25. Review status: criteria provided, single submitter. Criteria: ACMG Guidelines, 2015. Collection method: clinical testing. Allele origin: germline.

NM_000138.5(FBN1):c.6586T>G (p.Phe2196Val)

Gene: FBN1 (fibrillin 1; minus strand). Cytogenetic location: 15q21.1.
Variant type: single nucleotide variant.
Coding change: c.6586T>G on transcript NM_000138.5 (MANE Select); coding-DNA position 6586, T replaced by G.
Protein change: p.Phe2196Val; replaces phenylalanine 2196 with valine.
Molecular consequence: missense variant.
Genome position (GRCh38, 1-based): chr15:48,434,624, A>C on the plus strand (T>G on the coding strand, the complement: FBN1 is on the minus strand). VCF-style: chr15-48434624-A-C. GRCh37 (hg19) VCF-style: chr15-48726821-A-C.
Other names: short protein forms F2196V.
Identifiers: ClinVar variation 915610 (VCV000915610.9), dbSNP rs2043050574, ClinGen allele CA392334778.